The following is an entry in ClinVar:

ClinVar aggregate classification (germline): Uncertain significance (1 of 4 stars; one submission).

gnomAD v4.1: 78 of 764,710 alleles (0.01%); highest among the groups gnomAD compares: Non-Finnish European, 0.015%; no homozygotes.

Submission:

Labcorp Genetics (formerly Invitae), Labcorp
Classification: Uncertain significance. Last evaluated: 2025-08-14. Review status: criteria provided, single submitter. Criteria: Invitae Variant Classification Sherloc (09022015). Collection method: clinical testing. Allele origin: germline.
Comment: This variant occurs in the SNORD118 gene, which encodes an RNA molecule that does not result in a protein product. This variant is present in population databases (rs777501044, gnomAD 0.02%). This variant has not been reported in the literature in individuals affected with SNORD118-related conditions. In summary, the available evidence is currently insufficient to determine the role of this variant in disease. Therefore, it has been classified as a Variant of Uncertain Significance.

NR_033294.2(SNORD118):n.14A>C

Genes: SNORD118 (small nucleolar RNA, C/D box 118; minus strand), TMEM107 (transmembrane protein 107; minus strand). Cytogenetic location: 17p13.1.
Variant type: single nucleotide variant.
Molecular consequence: non-coding transcript variant (on NR_033294.2). On other transcripts: 3 prime UTR variant (5).
Genome position: GRCh38 VCF-style: chr17-8173575-T-G. GRCh37 (hg19) VCF-style: chr17-8076893-T-G.
Other names: c.*628A>C (NM_001351278.2, NM_001351279.2, NM_001351280.2 and 2 more transcripts).
Identifiers: ClinVar variation 4698981 (VCV004698981.1).
Genomic context (GRCh38, chr17:8,173,575, plus strand): 5'-CATGCATCTCCAATCATCATGTTCTAATCTGCCCTCCGGAGGAGGAACAGGTAAGGATTA[T>G]CCCACCTGACGATACAGACAAACAGCCGACATTCTGCACTCAGTGAAAAAGATTCCGTTA-3'